The following is an entry in ClinVar:

ClinVar aggregate classification (germline): Uncertain significance. Review status: criteria provided, multiple submitters, no conflicts (2 of 4 stars). 2 submissions from 2 submitters: Uncertain significance (2). Last evaluated 2026-04-24.

Conditions:
Inborn genetic diseases. Identifiers: MedGen C0950123, MeSH D030342.

Allele frequency attached by ClinVar (database versions not stated): gnomAD 0.00001.
gnomAD v4.1: 14 of 1,517,294 alleles (0.00092%); highest among the groups gnomAD compares: Admixed American, 0.002%; no homozygotes.

Submissions (2):

GeneDx
Classification: Uncertain significance. Last evaluated: 2026-04-24. Review status: criteria provided, single submitter. Criteria: GeneDx Variant Classification Process June 2021. Collection method: clinical testing. Allele origin: germline.
Comment: Not observed at significant frequency in large population cohorts (gnomAD); In silico analysis suggests that this missense variant does not alter protein structure/function; Has not been previously published as pathogenic or benign to our knowledge

Ambry Genetics
Classification: Uncertain significance for Inborn genetic diseases. Last evaluated: 2023-03-14. Review status: criteria provided, single submitter. Criteria: Ambry Variant Classification Scheme 2023. Collection method: clinical testing. Allele origin: germline.

NM_001379210.1(SLC25A26):c.88A>G (p.Ile30Val)

Gene: SLC25A26 (solute carrier family 25 member 26; plus strand). Cytogenetic location: 3p14.1.
Variant type: single nucleotide variant.
Coding change: c.88A>G on transcript NM_001379210.1 (MANE Select); coding-DNA position 88, A replaced by G.
Protein change: p.Ile30Val; replaces isoleucine 30 with valine.
Molecular consequence: missense variant. On other transcripts: 5 prime UTR variant (2), non-coding transcript variant (8), intron variant (3).
Genome position (GRCh38, 1-based): chr3:66,236,598, A>G. VCF-style: chr3-66236598-A-G. GRCh37 (hg19) VCF-style: chr3-66287022-A-G.
Other names: c.88A>G, p.Ile30Val (NM_001009937.1, NM_001400705.1, NM_001400707.1 and 1 more transcripts); c.-177A>G (NM_001350993.1, NM_001400711.1); c.-74-6605A>G (NM_001164796.1, NM_001400709.1, NM_001400714.1); short protein forms I30V.
Identifiers: ClinVar variation 2471250 (VCV002471250.3), dbSNP rs1187474452, ClinGen allele CA353545995.